The following is an entry in ClinVar:

NM_020376.4(PNPLA2):c.798dup (p.Ala267fs)

Gene: PNPLA2 (patatin like domain 2, triacylglycerol lipase; plus strand). Cytogenetic location: 11p15.5.
Variant type: Duplication.
Coding change: c.798dup on transcript NM_020376.4 (MANE Select); coding-DNA position 798, one base duplicated (C; older notation c.798dupC).
Protein change: p.Ala267fs; shifts the reading frame from alanine 267.
Molecular consequence: frameshift variant.
Genome position (GRCh38, 1-based): chr11:823,734, C duplicated; the last of 6 consecutive C bases (chr11:823,729-823,734); duplicating any one gives the same sequence. VCF-style (leftmost placement, unchanged base first): chr11-823728-G-GC. GRCh37 (hg19) VCF-style: chr11-823728-G-GC.
Other names: c.798dupC (NM_020376.3); short protein forms A267fs.
Identifiers: ClinVar variation 944262 (VCV000944262.18), dbSNP rs1343828094, ClinGen allele CA597022405.

ClinVar aggregate classification (germline): Pathogenic. Review status: criteria provided, multiple submitters, no conflicts (2 of 4 stars). 7 submissions from 7 submitters: Pathogenic (6). 1 of the submissions does not count toward it. Last evaluated 2025-10-02.

Conditions:
PNPLA2-related disorder. Also called: PNPLA2-related condition.
Neutral lipid storage myopathy (NLSDM). Also called: NEUTRAL LIPID STORAGE DISEASE WITHOUT ICHTHYOSIS. Identifiers: Orphanet 98908, MedGen C1853136, MONDO:0012545, OMIM 610717.

Submissions (7):

Labcorp Genetics (formerly Invitae), Labcorp
Classification: Pathogenic for Neutral lipid storage myopathy. Last evaluated: 2025-10-02. Review status: criteria provided, single submitter. Criteria: Invitae Variant Classification Sherloc (09022015). Collection method: clinical testing. Allele origin: germline.
Comment: This sequence change creates a premature translational stop signal (p.Ala267Argfs*40) in the PNPLA2 gene. It is expected to result in an absent or disrupted protein product. Loss-of-function variants in PNPLA2 are known to be pathogenic (PMID: 17187067). The frequency data for this variant in the population databases is considered unreliable, as metrics indicate poor data quality at this position in the gnomAD database. This premature translational stop signal has been observed in individual(s) with distal myopathy and cardiomyopathy (PMID: 27869069). This variant is also known as c.798_799insC. ClinVar contains an entry for this variant (Variation ID: 944262). For these reasons, this variant has been classified as Pathogenic.

PreventionGenetics, part of Exact Sciences
Classification: Pathogenic for PNPLA2-related condition. Last evaluated: 2024-12-06. Review status: criteria provided, single submitter. Criteria: ACMG Guidelines, 2015. Collection method: clinical testing. Allele origin: germline.
Comment: The PNPLA2 c.798dupC variant is predicted to result in a frameshift and premature protein termination (p.Ala267Argfs*40). This variant was reported in the compound heterozygous state an individual with myopathy (Olimpio et al. 2024. PubMed ID: 38759022). This variant is reported in 0.0029% of alleles in individuals of Latino descent in gnomAD. Frameshift variants in PNPLA2 are expected to be pathogenic. This variant is interpreted as pathogenic.

GeneDx
Classification: Pathogenic. Last evaluated: 2024-11-08. Review status: criteria provided, single submitter. Criteria: GeneDx Variant Classification Process June 2021. Collection method: clinical testing. Allele origin: germline. Affected: yes.
Comment: Frameshift variant predicted to result in protein truncation or nonsense mediated decay in a gene for which loss of function is a known mechanism of disease; Not observed at significant frequency in large population cohorts (gnomAD); This variant is associated with the following publications: (PMID: 27869069)

Blueprint Genetics
Classification: Pathogenic for PNPLA2-related disorders. Last evaluated: 2023-01-11. Review status: criteria provided, single submitter. Criteria: ACMG Guidelines, 2015. Collection method: clinical testing. Allele origin: germline. Affected: yes. Observed: 2 variant alleles.

Revvity Omics, Revvity
Classification: Pathogenic for Neutral lipid storage myopathy. Last evaluated: 2020-04-21. Review status: criteria provided, single submitter. Criteria: ACMG Guidelines, 2015. Collection method: clinical testing. Allele origin: germline.

Harry Perkins Institute Of Medical Research, University Of Western Australia
Classification: Pathogenic for Neutral lipid storage myopathy. Review status: criteria provided, single submitter. Criteria: ACMG Guidelines, 2015. Collection method: research. Allele origin: germline. Inheritance: Autosomal recessive inheritance. Affected: yes.
Comment: The variant is present in the gnomAD v2.1.1 population variant database at a low frequency (4/261346), in keeping with a rare recessive allele and has been observed in individuals with neutral lipid storage myopathy (PMID: 39825153, PMID: 27869069, ClinVar - VCV000944262.14 ) . It is predicted to result in a truncated or absent protein, which is a common mechanism of pathogenicity in this gene and abolishes the lipid binding functional domain which is predicted to have a deleterious effect on lipid droplet-associated lipase activity (PMID: 17187067). Therefore, it is classified as pathogenic (class 5). (PVS1,PS4)

Solve-RD Consortium
Classification: Likely pathogenic for Neutral lipid storage myopathy. Last evaluated: 2022-06-01. Review status: no assertion criteria provided. Collection method: provider interpretation. Allele origin: inherited. Affected: yes. Not counted in ClinVar's aggregate classification.
Comment: Variant confirmed as disease-causing by referring clinical team

Variant identified during reanalysis of unsolved cases by the Solve-RD project. The Solve-RD project has received funding from the European Union’s Horizon 2020 research and innovation programme under grant agreement No 779257.

Literature cited by the submitters: PubMed 17187067 (cited by Labcorp Genetics (formerly Invitae), Labcorp and Harry Perkins Institute Of Medical Research, University Of Western Australia); PubMed 27869069 (cited by Labcorp Genetics (formerly Invitae), Labcorp and Harry Perkins Institute Of Medical Research, University Of Western Australia); PubMed 39825153 (cited by Harry Perkins Institute Of Medical Research, University Of Western Australia and Solve-RD Consortium).